The following is an entry in ClinVar:

ClinVar aggregate classification (germline): Uncertain significance. Review status: reviewed by expert panel (3 of 4 stars). 2 submissions from 2 submitters: Uncertain significance (1). 1 of the submissions does not count toward it. Last evaluated 2024-10-29.

Conditions:
Hereditary thrombocytopenia and hematologic cancer predisposition syndrome. Identifiers: Orphanet 71290, MedGen CN281654, MONDO:0011071.
Hereditary thrombocytopenia and hematological cancer predisposition syndrome associated with RUNX1. Also called: RUNX1 Familial Platelet Disorder with Associated Myeloid Malignancies; Familial Platelet Disorder with Propensity to Acute Myelogenous Leukemia; Familial thrombocytopenia with propensity to acute myelogenous leukemia; PLATELET DISORDER, ASPIRIN-LIKE. Identifiers: Orphanet 71290, MedGen C1832388, MeSH C563324, MONDO:0100083, OMIM 601399.

Submissions (2):

ClinGen Myeloid Malignancy Variant Curation Expert Panel
Classification: Uncertain significance for Hereditary thrombocytopenia and hematologic cancer predisposition syndrome. Last evaluated: 2024-10-29. Review status: reviewed by expert panel. Criteria: ClinGen MyeloMalig ACMG Specifications v2. Collection method: curation. Allele origin: germline. Inheritance: Autosomal dominant inheritance.
Comment: NM_001754.5(RUNX1):c.1268G>A (p.Arg423His) is a missense variant which has a REVEL score < 0.50 (0.445) and a SpliceAI score ≤ 0.20 (0.0) (BP4). This variant is completely absent from all population databases with at least 20x coverage for RUNX1 (PM2_Supporting). In summary, the clinical significance of this variant is uncertain. ACMG/AMP criteria applied, as specified by the Myeloid Malignancy Variant Curation Expert Panel for RUNX1: BP4, PM2_supporting.

Labcorp Genetics (formerly Invitae), Labcorp
Classification: Uncertain significance for Hereditary thrombocytopenia and hematological cancer predisposition syndrome associated with RUNX1. Last evaluated: 2021-12-11. Review status: criteria provided, single submitter. Criteria: Invitae Variant Classification Sherloc (09022015). Collection method: clinical testing. Allele origin: germline. Not counted in ClinVar's aggregate classification.
Comment: This sequence change replaces arginine, which is basic and polar, with histidine, which is basic and polar, at codon 423 of the RUNX1 protein (p.Arg423His). This variant is not present in population databases (gnomAD no frequency). This variant has not been reported in the literature in individuals affected with RUNX1-related conditions. Algorithms developed to predict the effect of missense changes on protein structure and function (SIFT, PolyPhen-2, Align-GVGD) all suggest that this variant is likely to be tolerated. In summary, the available evidence is currently insufficient to determine the role of this variant in disease. Therefore, it has been classified as a Variant of Uncertain Significance.

NM_001754.5(RUNX1):c.1268G>A (p.Arg423His)

Gene: RUNX1 (RUNX family transcription factor 1; minus strand). Cytogenetic location: 21q22.12.
Variant type: single nucleotide variant.
Coding change: c.1268G>A on transcript NM_001754.5 (MANE Select); coding-DNA position 1268, G replaced by A.
Protein change: p.Arg423His; replaces arginine 423 with histidine.
Molecular consequence: missense variant.
Genome position (GRCh38, 1-based): chr21:34,792,310, C>T on the plus strand (G>A on the coding strand, the complement: RUNX1 is on the minus strand). VCF-style: chr21-34792310-C-T. GRCh37 (hg19) VCF-style: chr21-36164607-C-T.
Other names: NM_001754.5(RUNX1):c.1268G>A; p.Arg423His; c.1187G>A, p.Arg396His (NM_001001890.3); short protein forms R396H, R423H.
Identifiers: ClinVar variation 1978596 (VCV001978596.6), dbSNP rs1205896319, ClinGen allele CA410147570.